The following is an entry in ClinVar:

ClinVar aggregate classification (germline): Likely pathogenic. Review status: criteria provided, multiple submitters, no conflicts (2 of 4 stars). 2 submissions from 2 submitters: Likely pathogenic (2). Last evaluated 2026-07-01.

Conditions:
Chilton-Okur-Chung neurodevelopmental syndrome (CHOCNS). Identifiers: MedGen C5677022, MONDO:0859239, OMIM 619841.

gnomAD v4.1: 5 of 1,614,086 alleles (0.00031%); highest among the groups gnomAD compares: African/African-American, 0.0013%; no homozygotes.

Submissions (2):

Wendy Chung Laboratory, Boston Children's Hospital
Classification: Likely pathogenic for Chilton-Okur-Chung neurodevelopmental syndrome. Last evaluated: 2026-07-01. Review status: criteria provided, single submitter. Criteria: ACMG Guidelines, 2015. Collection method: clinical testing. Allele origin: germline. Affected: yes.

GeneDx
Classification: Likely pathogenic. Last evaluated: 2025-04-23. Review status: criteria provided, single submitter. Criteria: GeneDx Variant Classification Process June 2021. Collection method: clinical testing. Allele origin: germline. Affected: yes.
Comment: Not observed at significant frequency in large population cohorts (gnomAD); In silico analysis supports that this missense variant has a deleterious effect on protein structure/function; Has not been previously published as pathogenic or benign to our knowledge

NM_006035.4(CDC42BPB):c.530C>T (p.Ala177Val)

Gene: CDC42BPB (CDC42 binding protein kinase beta; minus strand). Cytogenetic location: 14q32.32.
Variant type: single nucleotide variant.
Coding change: c.530C>T on transcript NM_006035.4 (MANE Select); coding-DNA position 530, C replaced by T.
Protein change: p.Ala177Val; replaces alanine 177 with valine.
Molecular consequence: missense variant.
Genome position (GRCh38, 1-based): chr14:102,999,631, G>A on the plus strand (C>T on the coding strand, the complement: CDC42BPB is on the minus strand). VCF-style: chr14-102999631-G-A. GRCh37 (hg19) VCF-style: chr14-103465968-G-A.
Other names: c.530C>T, p.Ala177Val (NM_001411054.1); short protein forms A177V.
Identifiers: ClinVar variation 3781031 (VCV003781031.3).